The following is an entry in ClinVar:

ClinVar aggregate classification (germline): Uncertain significance. Review status: criteria provided, multiple submitters, no conflicts (2 of 4 stars). 2 submissions from 2 submitters: Uncertain significance (2). Last evaluated 2024-02-26.

Conditions:
Imerslund-Grasbeck syndrome. Also called: PERNICIOUS ANEMIA, JUVENILE, DUE TO SELECTIVE INTESTINAL MALABSORPTION OF VITAMIN B12, WITH PROTEINURIA; Megaloblastic anemia due to inborn errors of metabolism; ENTEROCYTE COBALAMIN MALABSORPTION; ENTEROCYTE INTRINSIC FACTOR RECEPTOR, DEFECT OF; Imerslund-Gräsbeck syndrome. Identifiers: Orphanet 35858, MedGen C4551825, MONDO:0009853.

Allele frequency attached by ClinVar (database versions not stated): gnomAD exomes below 0.00001; TOPMed below 0.00001; ExAC 0.00001; gnomAD 0.00001.
gnomAD v4.1: 4 of 1,613,770 alleles (0.00025%); highest among the groups gnomAD compares: Admixed American, 0.0017%; no homozygotes.

Submissions (2):

Labcorp Genetics (formerly Invitae), Labcorp
Classification: Uncertain significance for Imerslund-Grasbeck syndrome. Last evaluated: 2024-02-26. Review status: criteria provided, single submitter. Criteria: Invitae Variant Classification Sherloc (09022015). Collection method: clinical testing. Allele origin: germline.
Comment: This sequence change replaces alanine, which is neutral and non-polar, with glutamic acid, which is acidic and polar, at codon 2907 of the CUBN protein (p.Ala2907Glu). This variant is present in population databases (rs758557930, gnomAD 0.003%). This variant has not been reported in the literature in individuals affected with CUBN-related conditions. ClinVar contains an entry for this variant (Variation ID: 439580). Advanced modeling of protein sequence and biophysical properties (such as structural, functional, and spatial information, amino acid conservation, physicochemical variation, residue mobility, and thermodynamic stability) performed at Invitae indicates that this missense variant is not expected to disrupt CUBN protein function with a negative predictive value of 80%. In summary, the available evidence is currently insufficient to determine the role of this variant in disease. Therefore, it has been classified as a Variant of Uncertain Significance.

ARUP Laboratories, Molecular Genetics and Genomics, ARUP Laboratories
Classification: Uncertain significance. Last evaluated: 2016-09-05. Review status: criteria provided, single submitter. Criteria: ARUP Molecular Germline Variant Investigation Process. Collection method: clinical testing. Allele origin: germline.

NM_001081.4(CUBN):c.8720C>A (p.Ala2907Glu)

Gene: CUBN (cubilin; minus strand). Cytogenetic location: 10p13.
Variant type: single nucleotide variant.
Coding change: c.8720C>A on transcript NM_001081.4 (MANE Select); coding-DNA position 8720, C replaced by A.
Protein change: p.Ala2907Glu; replaces alanine 2907 with glutamic acid.
Molecular consequence: missense variant.
Genome position (GRCh38, 1-based): chr10:16,890,406, G>T on the plus strand (C>A on the coding strand, the complement: CUBN is on the minus strand). VCF-style: chr10-16890406-G-T. GRCh37 (hg19) VCF-style: chr10-16932405-G-T.
Other names: short protein forms A2907E.
Identifiers: ClinVar variation 439580 (VCV000439580.13), dbSNP rs758557930, ClinGen allele CA5422938.